The following is an entry in ClinVar:

ClinVar aggregate classification (germline): Uncertain significance. Review status: criteria provided, multiple submitters, no conflicts (2 of 4 stars). 3 submissions from 3 submitters: Uncertain significance (2). 1 of the submissions does not count toward it. Last evaluated 2023-12-17.

Conditions:
IFT27-related disorder. Also called: IFT27-related condition.
Inborn genetic diseases. Identifiers: MedGen C0950123, MeSH D030342.

Allele frequency attached by ClinVar (database versions not stated): gnomAD exomes 0.00001 and 0.00002; TOPMed 0.00001.
gnomAD v4.1: 20 of 1,614,174 alleles (0.0012%); highest among the groups gnomAD compares: Middle Eastern, 0.033%; no homozygotes.

Submissions (3):

Ambry Genetics
Classification: Uncertain significance for Inborn genetic diseases. Last evaluated: 2023-12-17. Review status: criteria provided, single submitter. Criteria: Ambry Variant Classification Scheme 2023. Collection method: clinical testing. Allele origin: germline.

Labcorp Genetics (formerly Invitae), Labcorp
Classification: Uncertain significance. Last evaluated: 2023-11-06. Review status: criteria provided, single submitter. Criteria: Invitae Variant Classification Sherloc (09022015). Collection method: clinical testing. Allele origin: germline.
Comment: This sequence change replaces arginine, which is basic and polar, with cysteine, which is neutral and slightly polar, at codon 25 of the IFT27 protein (p.Arg25Cys). This variant is present in population databases (no rsID available, gnomAD 0.02%). This variant has not been reported in the literature in individuals affected with IFT27-related conditions. ClinVar contains an entry for this variant (Variation ID: 1484515). Advanced modeling of protein sequence and biophysical properties (such as structural, functional, and spatial information, amino acid conservation, physicochemical variation, residue mobility, and thermodynamic stability) performed at Invitae indicates that this missense variant is expected to disrupt IFT27 protein function with a positive predictive value of 95%. In summary, the available evidence is currently insufficient to determine the role of this variant in disease. Therefore, it has been classified as a Variant of Uncertain Significance.

PreventionGenetics, part of Exact Sciences
Classification: Uncertain significance for IFT27-related condition. Last evaluated: 2024-08-31. Review status: no assertion criteria provided. Collection method: clinical testing. Allele origin: germline. Not counted in ClinVar's aggregate classification.
Comment: The IFT27 c.73C>T variant is predicted to result in the amino acid substitution p.Arg25Cys. To our knowledge, this variant has not been reported in the literature. This variant is reported in 0.022% of alleles in individuals of East Asian descent in gnomAD. At this time, the clinical significance of this variant is uncertain due to the absence of conclusive functional and genetic evidence.

NM_001177701.3(IFT27):c.76C>T (p.Arg26Cys)

Gene: IFT27 (intraflagellar transport 27; minus strand). Cytogenetic location: 22q12.3.
Variant type: single nucleotide variant.
Coding change: c.76C>T on transcript NM_001177701.3 (MANE Select); coding-DNA position 76, C replaced by T.
Protein change: p.Arg26Cys; replaces arginine 26 with cysteine.
Molecular consequence: missense variant.
Genome position (GRCh38, 1-based): chr22:36,767,821, G>A on the plus strand (C>T on the coding strand, the complement: IFT27 is on the minus strand). VCF-style: chr22-36767821-G-A. GRCh37 (hg19) VCF-style: chr22-37163865-G-A.
Other names: c.76C>T, p.Arg26Cys (NM_001363003.2); c.73C>T, p.Arg25Cys (NM_006860.5); c.76C>T (NM_001177701.1); c.73C>T (NM_006860.4); short protein forms R26C, R25C.
Identifiers: ClinVar variation 1484515 (VCV001484515.6), dbSNP rs956842146, ClinGen allele CA324009499.